The following is an entry in ClinVar:

NM_000533.5(PLP1):c.588dup (p.Ile197fs)

Genes: RAB9B (RAB9B, member RAS oncogene family; minus strand), PLP1 (proteolipid protein 1; plus strand). Cytogenetic location: Xq22.2.
Variant type: Duplication.
Coding change: c.588dup on transcript NM_000533.5 (MANE Select); coding-DNA position 588, one base duplicated (T; older notation c.588dupT).
Protein change: p.Ile197fs; shifts the reading frame from isoleucine 197.
Molecular consequence: frameshift variant.
Genome position (GRCh38, 1-based): chrX:103,787,932, T duplicated. VCF-style (leftmost placement, unchanged base first): chrX-103787931-G-GT. GRCh37 (hg19) VCF-style: chrX-103042860-G-GT.
Other names: c.588dup, p.Ile197fs (NM_001128834.3); c.423dup, p.Ile142fs (NM_001305004.1); c.483dup, p.Ile162fs (NM_199478.3); short protein forms I142fs, I162fs, I197fs.
Identifiers: ClinVar variation 2080617 (VCV002080617.4), dbSNP rs2522315171, ClinGen allele CA2580100120.

ClinVar aggregate classification (germline): Pathogenic (1 of 4 stars; one submission).

Conditions:
Hereditary spastic paraplegia 2 (SPG2). Also called: Spastic Paraplegia 2 (SPG2); SPASTIC PARAPLEGIA 2, X-LINKED. Identifiers: Orphanet 99015, MedGen C0751604, MONDO:0010733, OMIM 312920.

Submission:

Labcorp Genetics (formerly Invitae), Labcorp
Classification: Pathogenic for Hereditary spastic paraplegia 2. Last evaluated: 2022-01-12. Review status: criteria provided, single submitter. Criteria: Invitae Variant Classification Sherloc (09022015). Collection method: clinical testing. Allele origin: germline.
Comment: For these reasons, this variant has been classified as Pathogenic. This variant has not been reported in the literature in individuals affected with PLP1-related conditions. This variant is not present in population databases (gnomAD no frequency). This sequence change creates a premature translational stop signal (p.Ile197Tyrfs*7) in the PLP1 gene. It is expected to result in an absent or disrupted protein product. Loss-of-function variants in PLP1 are known to be pathogenic (PMID: 18470932).

Literature cited by the submitters: PubMed 18470932.